The following is an entry in ClinVar:

ClinVar aggregate classification (germline): Uncertain significance (1 of 4 stars; one submission).

Conditions:
Hereditary cancer-predisposing syndrome. Also called: Neoplastic Syndromes, Hereditary; Tumor predisposition; Hereditary Cancer Syndrome; Hereditary neoplastic syndrome. Identifiers: Orphanet 140162, MedGen C0027672, MeSH D009386, MONDO:0015356.

Submission:

Ambry Genetics
Classification: Uncertain significance for Hereditary cancer-predisposing syndrome. Last evaluated: 2026-04-19. Review status: criteria provided, single submitter. Criteria: Ambry Variant Classification Scheme 2023. Collection method: clinical testing. Allele origin: germline.
Comment: The p.K214E variant (also known as c.640A>G), located in coding exon 4 of the CHEK2 gene, results from an A to G substitution at nucleotide position 640. The lysine at codon 214 is replaced by glutamic acid, an amino acid with similar properties. This amino acid position is conserved. In addition, this alteration is predicted to be tolerated by in silico analysis. Based on the available evidence, the clinical significance of this variant remains unclear.

NM_007194.4(CHEK2):c.640A>G (p.Lys214Glu)

Gene: CHEK2 (checkpoint kinase 2; minus strand). Cytogenetic location: 22q12.1.
Variant type: single nucleotide variant.
Coding change: c.640A>G on transcript NM_007194.4 (MANE Select); coding-DNA position 640, A replaced by G.
Protein change: p.Lys214Glu; replaces lysine 214 with glutamic acid.
Molecular consequence: missense variant. On other transcripts: 5 prime UTR variant (2), intron variant (1).
Genome position (GRCh38, 1-based): chr22:28,719,438, T>C on the plus strand (A>G on the coding strand, the complement: CHEK2 is on the minus strand). VCF-style: chr22-28719438-T-C. GRCh37 (hg19) VCF-style: chr22-29115426-T-C.
Other names: c.769A>G, p.Lys257Glu (NM_001005735.3, NM_001438294.1); c.-24A>G (NM_001257387.3, NM_001437942.1); c.733A>G, p.Lys245Glu (NM_001438293.1, NM_001438295.1); c.640A>G, p.Lys214Glu (NM_145862.3); c.482+5448A>G (NM_001349956.3); short protein forms K214E, K245E, K257E.
Identifiers: ClinVar variation 4868930 (VCV004868930.1).